The following is an entry in ClinVar:

ClinVar aggregate classification (germline): Likely pathogenic (0 of 4 stars; one submission).

Conditions:
Metachromatic leukodystrophy (MLD). Also called: ARSA DEFICIENCY; CEREBROSIDE SULFATASE DEFICIENCY; METACHROMATIC LEUKOENCEPHALOPATHY; SULFATIDE LIPIDOSIS; Cerebral sclerosis diffuse metachromatic form; Arylsulfatase A Deficiency. Identifiers: Orphanet 512, MedGen C0023522, MONDO:0018868, OMIM 250100.

Submission:

Laboratory of Experimental Gene Therapy of Hereditary Metabolic Diseases, Research Centre for Medical Genetics
Classification: Likely pathogenic for Metachromatic leukodystrophy. Last evaluated: 2026-04-08. Review status: no assertion criteria provided. Collection method: clinical testing. Allele origin: germline. Affected: yes. Observed: 1 variant allele.
Comment: PM2, PP3, PM1, PP2, PM3, PP4

NM_000487.6(ARSA):c.281T>C (p.Leu94Pro)

Gene: ARSA (arylsulfatase A; minus strand). Cytogenetic location: 22q13.33.
Variant type: single nucleotide variant.
Coding change: c.281T>C on transcript NM_000487.6 (MANE Select); coding-DNA position 281, T replaced by C.
Protein change: p.Leu94Pro; replaces leucine 94 with proline.
Molecular consequence: missense variant.
Genome position (GRCh38, 1-based): chr22:50,627,350, A>G on the plus strand (T>C on the coding strand, the complement: ARSA is on the minus strand). VCF-style: chr22-50627350-A-G. GRCh37 (hg19) VCF-style: chr22-51065778-A-G.
Other names: c.281T>C, p.Leu94Pro (NM_001085425.3, NM_001085426.3, NM_001085427.3); c.23T>C, p.Leu8Pro (NM_001085428.3, NM_001362782.2); short protein forms L8P, L94P.
Identifiers: ClinVar variation 4850938 (VCV004850938.1).